The following is an entry in ClinVar:

NM_199355.4(ADAMTS18):c.2363A>G (p.Tyr788Cys)

Gene: ADAMTS18 (ADAM metallopeptidase with thrombospondin type 1 motif 18; minus strand). Cytogenetic location: 16q23.1.
Variant type: single nucleotide variant.
Coding change: c.2363A>G on transcript NM_199355.4 (MANE Select); coding-DNA position 2363, A replaced by G.
Protein change: p.Tyr788Cys; replaces tyrosine 788 with cysteine.
Molecular consequence: missense variant.
Genome position (GRCh38, 1-based): chr16:77,320,018, T>C on the plus strand (A>G on the coding strand, the complement: ADAMTS18 is on the minus strand). VCF-style: chr16-77320018-T-C. GRCh37 (hg19) VCF-style: chr16-77353915-T-C.
Other names: c.1847A>G, p.Tyr616Cys (NM_001326358.2); short protein forms Y616C, Y788C.
Identifiers: ClinVar variation 1717079 (VCV001717079.5), dbSNP rs2543645066, ClinGen allele CA396827831.

ClinVar aggregate classification (germline): Uncertain significance (1 of 4 stars; one submission).

Submission:

Labcorp Genetics (formerly Invitae), Labcorp
Classification: Uncertain significance. Last evaluated: 2022-08-20. Review status: criteria provided, single submitter. Criteria: Invitae Variant Classification Sherloc (09022015). Collection method: clinical testing. Allele origin: germline.
Comment: This sequence change replaces tyrosine, which is neutral and polar, with cysteine, which is neutral and slightly polar, at codon 788 of the ADAMTS18 protein (p.Tyr788Cys). In summary, the available evidence is currently insufficient to determine the role of this variant in disease. Therefore, it has been classified as a Variant of Uncertain Significance. Algorithms developed to predict the effect of missense changes on protein structure and function are either unavailable or do not agree on the potential impact of this missense change (SIFT: "Not Available"; PolyPhen-2: "Probably Damaging"; Align-GVGD: "Not Available"). This variant has not been reported in the literature in individuals affected with ADAMTS18-related conditions. This variant is not present in population databases (gnomAD no frequency).